The following is an entry in ClinVar:

NM_198060.4(NRAP):c.2783C>T (p.Ala928Val)

Gene: NRAP (nebulin related anchoring protein; minus strand). Cytogenetic location: 10q25.3.
Variant type: single nucleotide variant.
Coding change: c.2783C>T on transcript NM_198060.4 (MANE Select); coding-DNA position 2783, C replaced by T.
Protein change: p.Ala928Val; replaces alanine 928 with valine.
Molecular consequence: missense variant.
Genome position (GRCh38, 1-based): chr10:113,620,695, G>A on the plus strand (C>T on the coding strand, the complement: NRAP is on the minus strand). VCF-style: chr10-113620695-G-A. GRCh37 (hg19) VCF-style: chr10-115380454-G-A.
Other names: c.2783C>T, p.Ala928Val (NM_001261463.2); c.2675C>T, p.Ala892Val (NM_001322945.2); c.2678C>T, p.Ala893Val (NM_006175.5); short protein forms A892V, A893V, A928V.
Identifiers: ClinVar variation 3895144 (VCV003895144.1), dbSNP rs996610238.

ClinVar aggregate classification (germline): Uncertain significance (1 of 4 stars; one submission).

Conditions:
Cardiovascular phenotype. Identifiers: MedGen CN230736.

gnomAD v4.1: 3 of 1,607,008 alleles (0.00019%); highest among the groups gnomAD compares: Non-Finnish European, 0.00026%; no homozygotes.

Submission:

Molecular Diagnostic Laboratory for Inherited Cardiovascular Disease, Montreal Heart Institute
Classification: Uncertain significance for Cardiovascular phenotype. Last evaluated: 2025-04-09. Review status: criteria provided, single submitter. Criteria: ACMG Guidelines, 2015. Collection method: clinical testing. Allele origin: germline. Affected: yes.
Comment: PM2